The following is an entry in ClinVar:

NM_001277115.2(DNAH11):c.11840-3C>T

Gene: DNAH11 (dynein axonemal heavy chain 11; plus strand). Cytogenetic location: 7p15.3.
Variant type: single nucleotide variant.
Coding change: c.11840-3C>T on transcript NM_001277115.2 (MANE Select); 3 bases into the intron before coding-DNA position 11840, C replaced by T.
Molecular consequence: intron variant.
Genome position (GRCh38, 1-based): chr7:21,868,861, C>T. VCF-style: chr7-21868861-C-T. GRCh37 (hg19) VCF-style: chr7-21908479-C-T.
Other names: c.11840-3C>T (NM_001277115.1).
Identifiers: ClinVar variation 2158085 (VCV002158085.4), dbSNP rs757371660, ClinGen allele CA4182901.
Genomic context (GRCh38, chr7:21,868,861, plus strand): 5'-TTCCAGGCTCCTCTCACCCTCCTTCATAGACATTTCCTCTCACCGTGGTGTATTCTCCCA[C>T]AGGCAAAAGACTTGGCTTTACAATTGACTCTGGAAAATTCCACAATGTGTCTTTAGGACA-3'

ClinVar aggregate classification (germline): Conflicting classifications of pathogenicity. Review status: criteria provided, conflicting classifications (1 of 4 stars). 3 submissions from 3 submitters: Uncertain significance (1); Likely benign (1). 1 of the submissions does not count toward it. Last evaluated 2023-02-17.

Conditions:
DNAH11-related disorder. Also called: DNAH11-related condition.
Primary ciliary dyskinesia. Also called: Ciliary dyskinesia. Identifiers: Orphanet 244, MedGen C0008780, MONDO:0016575, HP:0012265.

Allele frequency attached by ClinVar (database versions not stated): gnomAD 0.00001; gnomAD exomes 0.00001; TOPMed 0.00003; ExAC 0.00007.
gnomAD v4.1: 21 of 1,613,830 alleles (0.0013%); highest among the groups gnomAD compares: Admixed American, 0.022%; no homozygotes.

Submissions (3):

Blueprint Genetics
Classification: Likely benign. Last evaluated: 2023-02-17. Review status: criteria provided, single submitter. Criteria: ACMG Guidelines, 2015. Collection method: clinical testing. Allele origin: germline.

Labcorp Genetics (formerly Invitae), Labcorp
Classification: Uncertain significance for Primary ciliary dyskinesia. Last evaluated: 2021-12-18. Review status: criteria provided, single submitter. Criteria: Invitae Variant Classification Sherloc (09022015). Collection method: clinical testing. Allele origin: germline.
Comment: This sequence change falls in intron 72 of the DNAH11 gene. It does not directly change the encoded amino acid sequence of the DNAH11 protein. It affects a nucleotide within the consensus splice site. This variant is present in population databases (rs757371660, gnomAD 0.04%). This variant has not been reported in the literature in individuals affected with DNAH11-related conditions. Variants that disrupt the consensus splice site are a relatively common cause of aberrant splicing (PMID: 17576681, 9536098). Algorithms developed to predict the effect of sequence changes on RNA splicing suggest that this variant is not likely to affect RNA splicing. In summary, the available evidence is currently insufficient to determine the role of this variant in disease. Therefore, it has been classified as a Variant of Uncertain Significance.

PreventionGenetics, part of Exact Sciences
Classification: Likely benign for DNAH11-related condition. Last evaluated: 2022-05-12. Review status: no assertion criteria provided. Collection method: clinical testing. Allele origin: germline. Not counted in ClinVar's aggregate classification.
Comment: This variant is classified as likely benign based on ACMG/AMP sequence variant interpretation guidelines (Richards et al. 2015 PMID: 25741868, with internal and published modifications).

Literature cited by the submitters: PubMed 17576681 (cited by Labcorp Genetics (formerly Invitae), Labcorp); PubMed 9536098 (cited by Labcorp Genetics (formerly Invitae), Labcorp).